The following is an entry in ClinVar:

NM_004369.4(COL6A3):c.3004A>G (p.Ile1002Val)

Gene: COL6A3 (collagen type VI alpha 3 chain; minus strand). Cytogenetic location: 2q37.3.
Variant type: single nucleotide variant.
Coding change: c.3004A>G on transcript NM_004369.4 (MANE Select); coding-DNA position 3004, A replaced by G.
Protein change: p.Ile1002Val; replaces isoleucine 1002 with valine.
Molecular consequence: missense variant.
Genome position (GRCh38, 1-based): chr2:237,376,838, T>C on the plus strand (A>G on the coding strand, the complement: COL6A3 is on the minus strand). VCF-style: chr2-237376838-T-C. GRCh37 (hg19) VCF-style: chr2-238285481-T-C.
Other names: c.1783A>G, p.Ile595Val (NM_057164.5); c.2386A>G, p.Ile796Val (NM_057165.5, NM_057167.4); c.1183A>G, p.Ile395Val (NM_057166.5); short protein forms I1002V, I395V, I595V, I796V.
Identifiers: ClinVar variation 3896825 (VCV003896825.1).

ClinVar aggregate classification (germline): Uncertain significance (1 of 4 stars; one submission).

Submission:

Kariminejad - Najmabadi Pathology & Genetics Center
Classification: Uncertain significance. Last evaluated: 2018-05-21. Review status: criteria provided, single submitter. Criteria: ACMG Guidelines, 2015. Collection method: clinical testing. Allele origin: germline. Inheritance: Autosomal dominant inheritance. Affected: yes.
Comment: PM1 PM2